The following is an entry in ClinVar:

ClinVar aggregate classification (germline): Likely pathogenic (1 of 4 stars; one submission).

Submission:

Labcorp Genetics (formerly Invitae), Labcorp
Classification: Likely pathogenic. Last evaluated: 2022-11-29. Review status: criteria provided, single submitter. Criteria: Invitae Variant Classification Sherloc (09022015). Collection method: clinical testing. Allele origin: germline.
Comment: This variant disrupts the p.Cys584 amino acid residue in USH2A. Other variant(s) that disrupt this residue have been determined to be pathogenic (PMID: 24516651, 26075083). This suggests that this residue is clinically significant, and that variants that disrupt this residue are likely to be disease-causing. Advanced modeling of protein sequence and biophysical properties (such as structural, functional, and spatial information, amino acid conservation, physicochemical variation, residue mobility, and thermodynamic stability) performed at Invitae indicates that this missense variant is expected to disrupt USH2A protein function. This variant has not been reported in the literature in individuals affected with USH2A-related conditions. This variant is not present in population databases (gnomAD no frequency). This sequence change replaces cysteine, which is neutral and slightly polar, with tyrosine, which is neutral and polar, at codon 584 of the USH2A protein (p.Cys584Tyr). In summary, the currently available evidence indicates that the variant is pathogenic, but additional data are needed to prove that conclusively. Therefore, this variant has been classified as Likely Pathogenic.

Literature cited by the submitters: PubMed 24516651; PubMed 26075083.

NM_206933.4(USH2A):c.1751G>A (p.Cys584Tyr)

Gene: USH2A (usherin; minus strand). Cytogenetic location: 1q41.
Variant type: single nucleotide variant.
Coding change: c.1751G>A on transcript NM_206933.4 (MANE Select); coding-DNA position 1751, G replaced by A.
Protein change: p.Cys584Tyr; replaces cysteine 584 with tyrosine.
Molecular consequence: missense variant.
Genome position (GRCh38, 1-based): chr1:216,292,264, C>T on the plus strand (G>A on the coding strand, the complement: USH2A is on the minus strand). VCF-style: chr1-216292264-C-T. GRCh37 (hg19) VCF-style: chr1-216465606-C-T.
Other names: c.1751G>A, p.Cys584Tyr (NM_007123.6); short protein forms C584Y.
Identifiers: ClinVar variation 2803785 (VCV002803785.3), dbSNP rs2037016118, ClinGen allele CA344903185.